The following is an entry in ClinVar:

NM_015272.5(RPGRIP1L):c.307G>T (p.Gly103Ter)

Gene: RPGRIP1L (RPGRIP1 like; minus strand). Cytogenetic location: 16q12.2.
Variant type: single nucleotide variant.
Coding change: c.307G>T on transcript NM_015272.5 (MANE Select); coding-DNA position 307, G replaced by T.
Protein change: p.Gly103Ter; replaces glycine 103 with a stop codon.
Molecular consequence: nonsense.
Genome position (GRCh38, 1-based): chr16:53,692,288, C>A on the plus strand (G>T on the coding strand, the complement: RPGRIP1L is on the minus strand). VCF-style: chr16-53692288-C-A. GRCh37 (hg19) VCF-style: chr16-53726200-C-A.
Other names: c.307G>T, p.Gly103Ter (NM_001127897.4, NM_001308334.3, NM_001330538.2); short protein forms G103*.
Identifiers: ClinVar variation 4060833 (VCV004060833.2).

ClinVar aggregate classification (germline): Likely pathogenic (1 of 4 stars; one submission).

Conditions:
Joubert syndrome. Also called: CEREBELLOPARENCHYMAL DISORDER IV; JOUBERT-BOLTSHAUSER SYNDROME; Familial aplasia of the vermis. Identifiers: Orphanet 475, MedGen C5979921, MONDO:0018772.

gnomAD v4.1: 2 of 1,613,986 alleles (0.00012%); highest among the groups gnomAD compares: African/African-American, 0.0027%; no homozygotes.

Submission:

Natera, Inc.
Classification: Likely pathogenic for Joubert syndrome. Last evaluated: 2025-04-17. Review status: criteria provided, single submitter. Criteria: Natera Variant Classification Schema (03/2026). Collection method: clinical testing. Allele origin: germline.
Comment: The c.307G>T variant in RPGRIP1L is a nonsense variant predicted to introduce a stop codon at amino acid 103. This variant is expected to result in nonsense mediated decay, truncation, or a dysfunctional protein product. This variant is rare in the general population with a frequency below the threshold expected for the associated phenotype(s). Given the available evidence, this variant is classified as Likely Pathogenic.